The following is an entry in ClinVar:

ClinVar aggregate classification (germline): Uncertain significance (0 of 4 stars; one submission).

Submission:

Richard Lifton Laboratory, Yale University School of Medicine
Classification: Uncertain significance. Review status: no assertion criteria provided. Collection method: not provided. Allele origin: somatic.
Comment: PHF8
ClinVar note: Converted during submission from unknown to Uncertain significance.

NM_015107.3(PHF8):c.1142-1G>A

Gene: PHF8 (PHD finger protein 8; minus strand). Cytogenetic location: Xp11.22.
Variant type: single nucleotide variant.
Coding change: c.1142-1G>A on transcript NM_015107.3 (MANE Select); the canonical splice acceptor site of the intron before coding-DNA position 1142, G replaced by A.
Molecular consequence: splice acceptor variant.
Genome position (GRCh38, 1-based): chrX:53,999,962, C>T on the plus strand (G>A on the coding strand, the complement: PHF8 is on the minus strand). VCF-style: chrX-53999962-C-T. GRCh37 (hg19) VCF-style: chrX-54026395-C-T.
Other names: c.1250-1G>A (NM_001184896.1); c.1142-1G>A (NM_001184897.2, NM_001184898.2).
Identifiers: ClinVar variation 91988 (VCV000091988.2), dbSNP rs386352389, ClinGen allele CA232303.